The following is an entry in ClinVar:

NM_173630.4(RTTN):c.4565-260C>G

Gene: RTTN (rotatin; minus strand). Cytogenetic location: 18q22.2.
Variant type: single nucleotide variant.
Coding change: c.4565-260C>G on transcript NM_173630.4 (MANE Select); 260 bases into the intron before coding-DNA position 4565, C replaced by G.
Molecular consequence: intron variant.
Genome position (GRCh38, 1-based): chr18:70,074,254, G>C on the plus strand (C>G on the coding strand, the complement: RTTN is on the minus strand). VCF-style: chr18-70074254-G-C. GRCh37 (hg19) VCF-style: chr18-67741490-G-C.
Other names: c.1829-260C>G (NM_001318520.2).
Identifiers: ClinVar variation 684154 (VCV000684154.1), dbSNP rs12965140, ClinGen allele CA301919880.

ClinVar aggregate classification (germline): Benign (1 of 4 stars; one submission).

Allele frequency attached by ClinVar (database versions not stated): 1000 Genomes Project 30x 0.69472; TOPMed 0.69825; 1000 Genomes Project 0.70767; gnomAD 0.70896 and 0.72354.
gnomAD v4.1: 110,176 of 151,942 alleles (73%); highest among the groups gnomAD compares: East Asian, 100%; 46,622 homozygotes.

Submission:

GeneDx
Classification: Benign. Last evaluated: 2018-06-19. Review status: criteria provided, single submitter. Criteria: GeneDx Variant Classification (06012015). Collection method: clinical testing. Allele origin: germline. Affected: yes.
Comment: This variant is considered likely benign or benign based on one or more of the following criteria: it is a conservative change, it occurs at a poorly conserved position in the protein, it is predicted to be benign by multiple in silico algorithms, and/or has population frequency not consistent with disease.